The following is an entry in ClinVar:

NM_000264.5(PTCH1):c.550_551delinsTT (p.Gln184Leu)

Gene: PTCH1 (patched 1; minus strand). Cytogenetic location: 9q22.32.
Variant type: Indel.
Coding change: c.550_551delinsTT on transcript NM_000264.5 (MANE Select); coding-DNA positions 550 to 551, CA replaced by TT.
Protein change: p.Gln184Leu; replaces glutamine 184 with leucine.
Molecular consequence: missense variant. On other transcripts: non-coding transcript variant (1).
Genome position (GRCh38, 1-based): chr9:95,485,718-95,485,719, TG replaced by AA on the plus strand (CA replaced by TT on the coding strand, the reverse complement: PTCH1 is on the minus strand). VCF-style: chr9-95485718-TG-AA. GRCh37 (hg19) VCF-style: chr9-98248000-TG-AA.
Other names: c.352_353delinsTT, p.Gln118Leu (NM_001083602.3, NM_001354919.2); c.547_548delinsTT, p.Gln183Leu (NM_001083603.3); c.97_98delinsTT, p.Gln33Leu (NM_001083604.3, NM_001083605.3, NM_001083606.3 and 1 more transcripts); c.550_551delinsTT, p.Gln184Leu (NM_001354918.2); short protein forms Q183L, Q33L, Q118L, Q184L.
Identifiers: ClinVar variation 3311162 (VCV003311162.1).
Genomic context (GRCh38, chr9:95,485,718, plus strand): 5'-TTAGTAGGTGGACGCGGCGGGCCTTACCTGTTGTACATGTATACATGGACACGGCTGGCC[TG>AA]GAGTGCCGAGTCCAGGTGTTGTAGGAGCGCTTCTGTGGTCAGGACATTAGCACCTTCTTC-3'
Protein context (NP_000255.2, residues 174-194): ALLQHLDSAL[Gln184Leu]ASRVHVYMYN

ClinVar aggregate classification (germline): Uncertain significance (1 of 4 stars; one submission).

Conditions:
Hereditary cancer-predisposing syndrome. Also called: Neoplastic Syndromes, Hereditary; Tumor predisposition; Hereditary neoplastic syndrome; Hereditary Cancer Syndrome. Identifiers: Orphanet 140162, MedGen C0027672, MeSH D009386, MONDO:0015356.

Submission:

Ambry Genetics
Classification: Uncertain significance for Hereditary cancer-predisposing syndrome. Last evaluated: 2024-05-01. Review status: criteria provided, single submitter. Criteria: Ambry Variant Classification Scheme 2023. Collection method: clinical testing. Allele origin: germline.
Comment: The c.550_551delCAinsTT variant (also known as p.Q184L), located in coding exon 3 of the PTCH1 gene, results from an in-frame deletion of CA and insertion of TT at nucleotide positions 550 to 551. This results in the substitution of the glutamine residue for a leucine residue at codon 184, an amino acid with dissimilar properties. This amino acid position is well conserved in available vertebrate species. In addition, this alteration is predicted to be neutral by in silico analysis (Choi Y et al. PLoS ONE. 2012; 7(10):e46688). Based on the available evidence, the clinical significance of this variant remains unclear.